The following is an entry in ClinVar:

NM_001364905.1(LRBA):c.2227A>G (p.Met743Val)

Gene: LRBA (LPS responsive beige-like anchor protein; minus strand). Cytogenetic location: 4q31.3.
Variant type: single nucleotide variant.
Coding change: c.2227A>G on transcript NM_001364905.1 (MANE Select); coding-DNA position 2227, A replaced by G.
Protein change: p.Met743Val; replaces methionine 743 with valine.
Molecular consequence: missense variant.
Genome position (GRCh38, 1-based): chr4:150,872,694, T>C on the plus strand (A>G on the coding strand, the complement: LRBA is on the minus strand). VCF-style: chr4-150872694-T-C. GRCh37 (hg19) VCF-style: chr4-151793846-T-C.
Other names: c.2227A>G, p.Met743Val (NM_001199282.3, NM_001367550.1, NM_006726.5); short protein forms M743V.
Identifiers: ClinVar variation 1019450 (VCV001019450.7), dbSNP rs369606805, ClinGen allele CA3103327.
Genomic context (GRCh38, chr4:150,872,694, plus strand): 5'-CAGTCCATCTTAGATTTCGGCATACTTACTTTGGGGCCAGATGTTTTAAAAAATAACCCA[T>C]TGCCTTAAGAGCTTGTACCCTGATTCCTTCACTTTTCGATGCCAGAAGTTTGTAGATAAC-3'
Protein context (NP_001351834.1, residues 733-753): EGIRVQALKA[Met743Val]GYFLKHLAPK

ClinVar aggregate classification (germline): Uncertain significance. Review status: criteria provided, multiple submitters, no conflicts (2 of 4 stars). 2 submissions from 2 submitters: Uncertain significance (2). Last evaluated 2025-01-08.

Conditions:
Combined immunodeficiency due to LRBA deficiency. Also called: Common variable immunodeficiency 8, with autoimmunity. Identifiers: Orphanet 445018, MedGen C3553512, MONDO:0013863, OMIM 614700.
Inborn genetic diseases. Identifiers: MedGen C0950123, MeSH D030342.

Allele frequency attached by ClinVar (database versions not stated): ExAC 0.00001; gnomAD exomes 0.00002 and 0.00007; gnomAD 0.00003; TOPMed 0.00004; ESP Exome Variant Server 0.00008.

Submissions (2):

Ambry Genetics
Classification: Uncertain significance for Inborn genetic diseases. Last evaluated: 2025-01-08. Review status: criteria provided, single submitter. Criteria: Ambry Variant Classification Scheme 2023. Collection method: clinical testing. Allele origin: germline.

Labcorp Genetics (formerly Invitae), Labcorp
Classification: Uncertain significance for Combined immunodeficiency due to LRBA deficiency. Last evaluated: 2021-09-01. Review status: criteria provided, single submitter. Criteria: Invitae Variant Classification Sherloc (09022015). Collection method: clinical testing. Allele origin: germline.
Comment: This sequence change replaces methionine with valine at codon 743 of the LRBA protein (p.Met743Val). The methionine residue is weakly conserved and there is a small physicochemical difference between methionine and valine. This variant is present in population databases (rs369606805, ExAC 0.01%). This variant has not been reported in the literature in individuals affected with LRBA-related conditions. Algorithms developed to predict the effect of missense changes on protein structure and function (SIFT, PolyPhen-2, Align-GVGD) all suggest that this variant is likely to be tolerated. Algorithms developed to predict the effect of sequence changes on RNA splicing suggest that this variant may create or strengthen a splice site. In summary, the available evidence is currently insufficient to determine the role of this variant in disease. Therefore, it has been classified as a Variant of Uncertain Significance.